The following is an entry in ClinVar:

ClinVar aggregate classification (germline): Uncertain significance. Review status: criteria provided, multiple submitters, no conflicts (2 of 4 stars). 2 submissions from 2 submitters: Uncertain significance (2). Last evaluated 2024-05-23.

Allele frequency attached by ClinVar (database versions not stated): TOPMed 0.00001; gnomAD 0.00002 and 0.00003; gnomAD exomes 0.00002 and 0.00003; ExAC 0.00011.
gnomAD v4.1: 29 of 1,461,444 alleles (0.002%); highest among the groups gnomAD compares: South Asian, 0.0052%; no homozygotes.

Submissions (2):

Women's Health and Genetics/Laboratory Corporation of America, LabCorp
Classification: Uncertain significance. Last evaluated: 2024-05-23. Review status: criteria provided, single submitter. Criteria: LabCorp Variant Classification Summary - May 2015. Collection method: clinical testing. Allele origin: germline.
Comment: Variant summary: AFG3L2 c.76G>A (p.Gly26Ser) results in a non-conservative amino acid change in the encoded protein sequence. Four of five in-silico tools predict a benign effect of the variant on protein function. The variant allele was found at a frequency of 2.6e-05 in 77978 control chromosomes. The available data on variant occurrences in the general population are insufficient to allow any conclusion about variant significance. To our knowledge, no occurrence of c.76G>A in individuals affected with Spinocerebellar Ataxia Type 28 and no experimental evidence demonstrating its impact on protein function have been reported. ClinVar contains an entry for this variant (Variation ID: 1313788). Based on the evidence outlined above, the variant was classified as uncertain significance.

GeneDx
Classification: Uncertain significance. Last evaluated: 2023-08-04. Review status: criteria provided, single submitter. Criteria: GeneDx Variant Classification Process June 2021. Collection method: clinical testing. Allele origin: germline. Affected: yes.
Comment: Has not been previously published as pathogenic or benign to our knowledge; In silico analysis supports that this missense variant does not alter protein structure/function

NM_006796.3(AFG3L2):c.76G>A (p.Gly26Ser)

Gene: AFG3L2 (AFG3 like matrix AAA peptidase subunit 2; minus strand). Cytogenetic location: 18p11.21.
Variant type: single nucleotide variant.
Coding change: c.76G>A on transcript NM_006796.3 (MANE Select); coding-DNA position 76, G replaced by A.
Protein change: p.Gly26Ser; replaces glycine 26 with serine.
Molecular consequence: missense variant.
Genome position (GRCh38, 1-based): chr18:12,377,007, C>T on the plus strand (G>A on the coding strand, the complement: AFG3L2 is on the minus strand). VCF-style: chr18-12377007-C-T. GRCh37 (hg19) VCF-style: chr18-12377006-C-T.
Other names: short protein forms G26S.
Identifiers: ClinVar variation 1313788 (VCV001313788.5), dbSNP rs746437793, ClinGen allele CA8896856.